The following is an entry in ClinVar:

ClinVar aggregate classification (germline): Uncertain significance (1 of 4 stars; one submission).

gnomAD v4.1: 1 of 1,610,882 alleles (0.000062%); highest among the groups gnomAD compares: Non-Finnish European, 0.000085%; no homozygotes.

Submission:

Labcorp Genetics (formerly Invitae), Labcorp
Classification: Uncertain significance. Last evaluated: 2025-05-18. Review status: criteria provided, single submitter. Criteria: Invitae Variant Classification Sherloc (09022015). Collection method: clinical testing. Allele origin: germline.
Comment: This sequence change replaces glutamic acid, which is acidic and polar, with aspartic acid, which is acidic and polar, at codon 386 of the JAK2 protein (p.Glu386Asp). This variant is present in population databases (no rsID available, gnomAD 0.0009%). This variant has not been reported in the literature in individuals affected with JAK2-related conditions. Invitae Evidence Modeling of protein sequence and biophysical properties (such as structural, functional, and spatial information, amino acid conservation, physicochemical variation, residue mobility, and thermodynamic stability) indicates that this missense variant is not expected to disrupt JAK2 protein function with a negative predictive value of 80%. In summary, the available evidence is currently insufficient to determine the role of this variant in disease. Therefore, it has been classified as a Variant of Uncertain Significance.

NM_004972.4(JAK2):c.1158A>C (p.Glu386Asp)

Genes: INSL6 (insulin like 6; minus strand), JAK2 (Janus kinase 2; plus strand). Cytogenetic location: 9p24.1.
Variant type: single nucleotide variant.
Coding change: c.1158A>C on transcript NM_004972.4 (MANE Select); coding-DNA position 1158, A replaced by C.
Protein change: p.Glu386Asp; replaces glutamic acid 386 with aspartic acid.
Molecular consequence: missense variant. On other transcripts: 5 prime UTR variant (2), non-coding transcript variant (2).
Genome position (GRCh38, 1-based): chr9:5,064,984, A>C. VCF-style: chr9-5064984-A-C. GRCh37 (hg19) VCF-style: chr9-5064984-A-C.
Other names: c.1158A>C, p.Glu386Asp (NM_001322194.2, NM_001322195.2, NM_001322196.2); c.-58A>C (NM_001322198.2, NM_001322199.2); c.711A>C, p.Glu237Asp (NM_001322204.2); short protein forms E237D, E386D.
Identifiers: ClinVar variation 4742634 (VCV004742634.1).
Genomic context (GRCh38, chr9:5,064,984, plus strand): 5'-GTCATTAATTGATGGATATTATAGATTAACTGCAGATGCACATCATTACCTCTGTAAAGA[A>C]GTAGCACCTCCAGCCGTGCTTGAAAATATACAAAGCAACTGTCATGGCCCAATTTCGTGA-3'
Protein context (NP_004963.1, residues 376-396): TADAHHYLCK[Glu386Asp]VAPPAVLENI